The following is an entry in ClinVar:

NM_000057.4(BLM):c.3281C>T (p.Ser1094Leu)

Gene: BLM (BLM RecQ like helicase; plus strand). Cytogenetic location: 15q26.1.
Variant type: single nucleotide variant.
Coding change: c.3281C>T on transcript NM_000057.4 (MANE Select); coding-DNA position 3281, C replaced by T.
Protein change: p.Ser1094Leu; replaces serine 1094 with leucine.
Molecular consequence: missense variant.
Genome position (GRCh38, 1-based): chr15:90,798,260, C>T. VCF-style: chr15-90798260-C-T. GRCh37 (hg19) VCF-style: chr15-91341490-C-T.
Other names: c.3281C>T, p.Ser1094Leu (NM_001287246.2, NM_001287247.2); c.2156C>T, p.Ser719Leu (NM_001287248.2); short protein forms S1094L, S719L.
Identifiers: ClinVar variation 1495813 (VCV001495813.6), dbSNP rs1472603091, ClinGen allele CA393847252.

ClinVar aggregate classification (germline): Uncertain significance (1 of 4 stars; one submission).

Conditions:
Bloom syndrome (BLM). Also called: Bloom-Torre-Machacek syndrome. Identifiers: Orphanet 125, MedGen C0005859, MONDO:0008876, OMIM 210900.

Allele frequency attached by ClinVar (database versions not stated): gnomAD exomes below 0.00001.
gnomAD v4.1: 4 of 1,611,602 alleles (0.00025%); highest among the groups gnomAD compares: Non-Finnish European, 0.00034%; no homozygotes.

Submission:

Labcorp Genetics (formerly Invitae), Labcorp
Classification: Uncertain significance for Bloom syndrome. Last evaluated: 2025-08-11. Review status: criteria provided, single submitter. Criteria: Invitae Variant Classification Sherloc (09022015). Collection method: clinical testing. Allele origin: germline.
Comment: This sequence change replaces serine, which is neutral and polar, with leucine, which is neutral and non-polar, at codon 1094 of the BLM protein (p.Ser1094Leu). This variant is not present in population databases (gnomAD no frequency). This variant has not been reported in the literature in individuals affected with BLM-related conditions. ClinVar contains an entry for this variant (Variation ID: 1495813). Invitae Evidence Modeling of protein sequence and biophysical properties (such as structural, functional, and spatial information, amino acid conservation, physicochemical variation, residue mobility, and thermodynamic stability) indicates that this missense variant is not expected to disrupt BLM protein function with a negative predictive value of 80%. In summary, the available evidence is currently insufficient to determine the role of this variant in disease. Therefore, it has been classified as a Variant of Uncertain Significance.